The following is an entry in ClinVar:

NM_000059.4(BRCA2):c.8221A>T (p.Lys2741Ter)

Gene: BRCA2 (BRCA2 DNA repair associated; plus strand). Cytogenetic location: 13q13.1.
Variant type: single nucleotide variant.
Coding change: c.8221A>T on transcript NM_000059.4 (MANE Select); coding-DNA position 8221, A replaced by T.
Protein change: p.Lys2741Ter; replaces lysine 2741 with a stop codon.
Molecular consequence: nonsense. On other transcripts: non-coding transcript variant (1).
Genome position (GRCh38, 1-based): chr13:32,363,423, A>T. VCF-style: chr13-32363423-A-T. GRCh37 (hg19) VCF-style: chr13-32937560-A-T.
Other names: c.8125A>T, p.Lys2709Ter (NM_001406719.1); c.8221A>T, p.Lys2741Ter (NM_001406720.1); c.3289A>T, p.Lys1097Ter (NM_001406721.1); c.1804A>T, p.Lys602Ter (NM_001406722.1); short protein forms K1097*, K602*, K2709*, K2741*.
Identifiers: ClinVar variation 3261589 (VCV003261589.1).

ClinVar aggregate classification (germline): Pathogenic (1 of 4 stars; one submission).

Conditions:
Hereditary cancer-predisposing syndrome. Also called: Hereditary Cancer Syndrome; Tumor predisposition; Hereditary neoplastic syndrome; Neoplastic Syndromes, Hereditary. Identifiers: Orphanet 140162, MedGen C0027672, MeSH D009386, MONDO:0015356.

Submission:

Ambry Genetics
Classification: Pathogenic for Hereditary cancer-predisposing syndrome. Last evaluated: 2024-04-18. Review status: criteria provided, single submitter. Criteria: Ambry Variant Classification Scheme 2023. Collection method: clinical testing. Allele origin: germline.
Comment: The p.K2741* pathogenic mutation (also known as c.8221A>T), located in coding exon 17 of the BRCA2 gene, results from an A to T substitution at nucleotide position 8221. This changes the amino acid from a lysine to a stop codon within coding exon 17. This alteration is expected to result in loss of function by premature protein truncation or nonsense-mediated mRNA decay. As such, this alteration is interpreted as a disease-causing mutation.